The following is an entry in ClinVar:

ClinVar aggregate classification (germline): Uncertain significance (1 of 4 stars; one submission).

Submission:

Labcorp Genetics (formerly Invitae), Labcorp
Classification: Uncertain significance. Last evaluated: 2022-04-20. Review status: criteria provided, single submitter. Criteria: Invitae Variant Classification Sherloc (09022015). Collection method: clinical testing. Allele origin: germline.
Comment: Algorithms developed to predict the effect of sequence changes on RNA splicing suggest that this variant may disrupt the consensus splice site. In summary, the available evidence is currently insufficient to determine the role of this variant in disease. Therefore, it has been classified as a Variant of Uncertain Significance. Algorithms developed to predict the effect of missense changes on protein structure and function (SIFT, PolyPhen-2, Align-GVGD) all suggest that this variant is likely to be tolerated. This variant has not been reported in the literature in individuals affected with PRPF6-related conditions. This variant is not present in population databases (gnomAD no frequency). This sequence change replaces histidine, which is basic and polar, with aspartic acid, which is acidic and polar, at codon 839 of the PRPF6 protein (p.His839Asp).

NM_012469.4(PRPF6):c.2515C>G (p.His839Asp)

Gene: PRPF6 (pre-mRNA processing factor 6; plus strand). Cytogenetic location: 20q13.33.
Variant type: single nucleotide variant.
Coding change: c.2515C>G on transcript NM_012469.4 (MANE Select); coding-DNA position 2515, C replaced by G.
Protein change: p.His839Asp; replaces histidine 839 with aspartic acid.
Molecular consequence: missense variant.
Genome position (GRCh38, 1-based): chr20:64,029,460, C>G. VCF-style: chr20-64029460-C-G. GRCh37 (hg19) VCF-style: chr20-62660813-C-G.
Other names: short protein forms H839D.
Identifiers: ClinVar variation 2128600 (VCV002128600.4), dbSNP rs774057212, ClinGen allele CA409744103.